The following is an entry in ClinVar:

ClinVar aggregate classification (germline): Benign/Likely benign. Review status: criteria provided, multiple submitters, no conflicts (2 of 4 stars). 6 submissions from 6 submitters: Benign (2); Likely benign (3). 1 of the submissions does not count toward it. Last evaluated 2026-01-25.

Conditions:
CC2D1A-related disorder. Also called: CC2D1A-related condition.
Inborn genetic diseases. Identifiers: MedGen C0950123, MeSH D030342.

Allele frequency attached by ClinVar (database versions not stated): gnomAD exomes 0.00047 and 0.00119; ExAC 0.00138; 1000 Genomes Project 0.00419; ESP Exome Variant Server 0.00421; 1000 Genomes Project 30x 0.00422; gnomAD 0.00482 and 0.00526; TOPMed 0.00528.
gnomAD v4.1: 1,460 of 1,614,160 alleles (0.09%); highest among the groups gnomAD compares: African/African-American, 1.7%; 9 homozygotes.

Submissions (6):

Labcorp Genetics (formerly Invitae), Labcorp
Classification: Benign. Last evaluated: 2026-01-25. Review status: criteria provided, single submitter. Criteria: Invitae Variant Classification Sherloc (09022015). Collection method: clinical testing. Allele origin: germline.

Blueprint Genetics
Classification: Likely benign. Last evaluated: 2024-11-05. Review status: criteria provided, single submitter. Criteria: ACMG Guidelines, 2015. Collection method: clinical testing. Allele origin: germline.

Genetic Services Laboratory, University of Chicago
Classification: Benign. Last evaluated: 2016-11-01. Review status: criteria provided, single submitter. Criteria: ACMG Guidelines, 2015. Collection method: clinical testing. Allele origin: germline. Affected: no.

Ambry Genetics
Classification: Likely benign for Inborn genetic diseases. Last evaluated: 2016-07-05. Review status: criteria provided, single submitter. Criteria: Ambry Variant Classification Scheme 2023. Collection method: clinical testing. Allele origin: germline.

Breakthrough Genomics
Classification: Likely benign. Review status: criteria provided, single submitter. Criteria: ACMG Guidelines, 2015. Collection method: not provided. Allele origin: germline. Inheritance: Autosomal recessive inheritance. Affected: yes.

PreventionGenetics, part of Exact Sciences
Classification: Benign for CC2D1A-related condition. Last evaluated: 2019-09-06. Review status: no assertion criteria provided. Collection method: clinical testing. Allele origin: germline. Not counted in ClinVar's aggregate classification.
Comment: This variant is classified as benign based on ACMG/AMP sequence variant interpretation guidelines (Richards et al. 2015 PMID: 25741868, with internal and published modifications).

NM_017721.5(CC2D1A):c.1974C>T (p.Leu658=)

Gene: CC2D1A (coiled-coil and C2 domain containing 1A; plus strand). Cytogenetic location: 19p13.12.
Variant type: single nucleotide variant.
Coding change: c.1974C>T on transcript NM_017721.5 (MANE Select); coding-DNA position 1974, C replaced by T.
Protein change: p.Leu658=; no amino-acid change (leucine 658 retained).
Molecular consequence: synonymous variant.
Genome position (GRCh38, 1-based): chr19:13,926,550, C>T. VCF-style: chr19-13926550-C-T. GRCh37 (hg19) VCF-style: chr19-14037363-C-T.
Identifiers: ClinVar variation 210597 (VCV000210597.21), dbSNP rs147905122, ClinGen allele CA209543.